The following is an entry in ClinVar:

ClinVar aggregate classification (germline): Uncertain significance (1 of 4 stars; one submission).

Conditions:
Non-obstructive azoospermia. Identifiers: MedGen C4021107, HP:0011961.

Allele frequency attached by ClinVar (database versions not stated): gnomAD exomes 0.00036; gnomAD 0.00037 and 0.00038; ExAC 0.00045.

Submission:

Institute of Reproductive Genetics, University of Münster
Classification: Uncertain significance for Non-obstructive azoospermia. Last evaluated: 2022-03-16. Review status: criteria provided, single submitter. Criteria: ACMG Guidelines, 2015. Collection method: research. Allele origin: germline. Affected: yes. Observed: 2 variant alleles.

NM_001131034.4(RNF212):c.247-2703_247-2702del

Gene: RNF212 (ring finger protein 212; minus strand). Cytogenetic location: 4p16.3.
Variant type: Deletion.
Coding change: c.247-2703_247-2702del on transcript NM_001131034.4 (MANE Select); 2703 bases into the intron before coding-DNA position 247 through 2702 bases into the intron before coding-DNA position 247, 2 bases deleted (GT; older notation c.247-2703_247-2702delGT).
Molecular consequence: intron variant. On other transcripts: frameshift variant (1).
Genome position (GRCh38, 1-based): chr4:1,093,540-1,093,541, AC deleted on the plus strand (GT on the coding strand, the reverse complement: RNF212 is on the minus strand). VCF-style (leftmost placement, unchanged base first): chr4-1093539-GAC-G. GRCh37 (hg19) VCF-style: chr4-1087327-GAC-G.
Other names: c.720_721del, p.Arg240fs (NM_001193318.3); c.247-2703_247-2702del (NM_001366918.1, NM_001366919.1, NM_194439.5); short protein forms R240fs.
Identifiers: ClinVar variation 1244231 (VCV001244231.2), dbSNP rs1491194367, ClinGen allele CA2803459.